The following is an entry in ClinVar:

NM_017617.5(NOTCH1):c.5749G>C (p.Gly1917Arg)

Gene: NOTCH1 (notch receptor 1; minus strand). Cytogenetic location: 9q34.3.
Variant type: single nucleotide variant.
Coding change: c.5749G>C on transcript NM_017617.5 (MANE Select); coding-DNA position 5749, G replaced by C.
Protein change: p.Gly1917Arg; replaces glycine 1917 with arginine.
Molecular consequence: missense variant.
Genome position (GRCh38, 1-based): chr9:136,500,737, C>G on the plus strand (G>C on the coding strand, the complement: NOTCH1 is on the minus strand). VCF-style: chr9-136500737-C-G. GRCh37 (hg19) VCF-style: chr9-139395189-C-G.
Other names: short protein forms G1917R.
Identifiers: ClinVar variation 3363385 (VCV003363385.1).

ClinVar aggregate classification (germline): Uncertain significance (1 of 4 stars; one submission).

Submission:

GeneDx
Classification: Uncertain significance. Last evaluated: 2023-10-26. Review status: criteria provided, single submitter. Criteria: GeneDx Variant Classification Process June 2021. Collection method: clinical testing. Allele origin: germline. Affected: yes.
Comment: Not observed at significant frequency in large population cohorts (gnomAD); In silico analysis supports that this missense variant has a deleterious effect on protein structure/function; Has not been previously published as pathogenic or benign to our knowledge